The following is an entry in ClinVar:

NM_000071.3(CBS):c.1162G>A (p.Asp388Asn)

Gene: CBS (cystathionine beta-synthase; minus strand). Cytogenetic location: 21q22.3.
Variant type: single nucleotide variant.
Coding change: c.1162G>A on transcript NM_000071.3 (MANE Select); coding-DNA position 1162, G replaced by A.
Protein change: p.Asp388Asn; replaces aspartic acid 388 with asparagine.
Molecular consequence: missense variant.
Genome position (GRCh38, 1-based): chr21:43,059,287, C>T on the plus strand (G>A on the coding strand, the complement: CBS is on the minus strand). VCF-style: chr21-43059287-C-T. GRCh37 (hg19) VCF-style: chr21-44479397-C-T.
Other names: c.1162G>A, p.Asp388Asn (NM_001178008.3, NM_001178009.3, NM_001320298.2); c.847G>A, p.Asp283Asn (NM_001321072.1); short protein forms D283N, D388N.
Identifiers: ClinVar variation 2138855 (VCV002138855.2), dbSNP rs375513996, ClinGen allele CA321688595.
Genomic context (GRCh38, chr21:43,059,287, plus strand): 5'-AGGGCTTCTTCTCCGTGAGGTCCTCCTCCTTCAGAAAGCCCTTCTGCAGCATCCACCTGT[C>T]GCTCAGGAACTTGGTCCTGCGGGATGGGGGAGTCACCGAGTCCCCGCAGGGCCCCACCGG-3'
Protein context (NP_000062.1, residues 378-398): VRNYMTKFLS[Asp388Asn]RWMLQKGFLK

ClinVar aggregate classification (germline): Uncertain significance. Review status: criteria provided, multiple submitters, no conflicts (2 of 4 stars). 2 submissions from 2 submitters: Uncertain significance (2). Last evaluated 2026-04-01.

Conditions:
HYPERHOMOCYSTEINEMIA, THROMBOTIC, CBS-RELATED. Identifiers: MedGen C3150344, OMIM 236200.
Familial thoracic aortic aneurysm and aortic dissection (TAAD). Also called: Thoracic aortic aneurysms and dissections. Identifiers: Orphanet 91387, MedGen C4707243, MONDO:0019625.

Allele frequency attached by ClinVar (database versions not stated): ESP Exome Variant Server 0.00008.

Submissions (2):

Ambry Genetics
Classification: Uncertain significance for Familial thoracic aortic aneurysm and aortic dissection. Last evaluated: 2026-04-01. Review status: criteria provided, single submitter. Criteria: Ambry Variant Classification Scheme 2023. Collection method: clinical testing. Allele origin: germline.
Comment: The p.D388N variant (also known as c.1162G>A), located in coding exon 11 of the CBS gene, results from a G to A substitution at nucleotide position 1162. The aspartic acid at codon 388 is replaced by asparagine, an amino acid with highly similar properties. This amino acid position is highly conserved in available vertebrate species. In addition, the in silico prediction for this alteration is inconclusive. Based on the available evidence, the clinical significance of this variant remains unclear.

Labcorp Genetics (formerly Invitae), Labcorp
Classification: Uncertain significance for HYPERHOMOCYSTEINEMIA, THROMBOTIC, CBS-RELATED. Last evaluated: 2022-09-27. Review status: criteria provided, single submitter. Criteria: Invitae Variant Classification Sherloc (09022015). Collection method: clinical testing. Allele origin: germline.
Comment: This sequence change replaces aspartic acid, which is acidic and polar, with asparagine, which is neutral and polar, at codon 388 of the CBS protein (p.Asp388Asn). This variant is present in population databases (rs375513996, gnomAD 0.007%). This variant has not been reported in the literature in individuals affected with CBS-related conditions. Advanced modeling of protein sequence and biophysical properties (such as structural, functional, and spatial information, amino acid conservation, physicochemical variation, residue mobility, and thermodynamic stability) performed at Invitae indicates that this missense variant is expected to disrupt CBS protein function. In summary, the available evidence is currently insufficient to determine the role of this variant in disease. Therefore, it has been classified as a Variant of Uncertain Significance.